The following is an entry in ClinVar:

NM_032119.4(ADGRV1):c.6262_6263del (p.Gln2088fs)

Gene: ADGRV1 (adhesion G protein-coupled receptor V1; plus strand). Cytogenetic location: 5q14.3.
Variant type: Deletion.
Coding change: c.6262_6263del on transcript NM_032119.4 (MANE Select); coding-DNA positions 6262 to 6263, 2 bases deleted (CA; older notation c.6262_6263delCA).
Protein change: p.Gln2088fs; shifts the reading frame from glutamine 2088.
Molecular consequence: frameshift variant. On other transcripts: non-coding transcript variant (1).
Genome position (GRCh38, 1-based): chr5:90,684,183-90,684,184, CA deleted; deleting any 2 consecutive bases within chr5:90,684,182-90,684,184 gives the same sequence; the c. name uses the placement nearest the transcript's 3' end. VCF-style (leftmost placement, unchanged base first): chr5-90684181-TAC-T. GRCh37 (hg19) VCF-style: chr5-89979998-TAC-T.
Other names: short protein forms Q2088fs.
Identifiers: ClinVar variation 1997902 (VCV001997902.4), dbSNP rs1745312195, ClinGen allele CA1562855213.

ClinVar aggregate classification (germline): Pathogenic (1 of 4 stars; one submission).

Submission:

Labcorp Genetics (formerly Invitae), Labcorp
Classification: Pathogenic. Last evaluated: 2026-01-21. Review status: criteria provided, single submitter. Criteria: Invitae Variant Classification Sherloc (09022015). Collection method: clinical testing. Allele origin: germline.
Comment: This sequence change creates a premature translational stop signal (p.Gln2088Glufs*13) in the ADGRV1 gene. It is expected to result in an absent or disrupted protein product. Loss-of-function variants in ADGRV1 are known to be pathogenic (PMID: 19357117, 22135276, 22147658, 26226137, 30718709, 31047384, 32467589). This variant is not present in population databases (gnomAD no frequency). This variant has not been reported in the literature in individuals affected with ADGRV1-related conditions. ClinVar contains an entry for this variant (Variation ID: 1997902). For these reasons, this variant has been classified as Pathogenic.

Literature cited by the submitters: PubMed 19357117; PubMed 22135276; PubMed 22147658; PubMed 26226137; PubMed 30718709; PubMed 31047384; PubMed 32467589.